The following is an entry in ClinVar:

NM_001378457.1(DMXL2):c.568G>A (p.Asp190Asn)

Gene: DMXL2 (Dmx like 2; minus strand). Cytogenetic location: 15q21.2.
Variant type: single nucleotide variant.
Coding change: c.568G>A on transcript NM_001378457.1 (MANE Select); coding-DNA position 568, G replaced by A.
Protein change: p.Asp190Asn; replaces aspartic acid 190 with asparagine.
Molecular consequence: missense variant. On other transcripts: non-coding transcript variant (2).
Genome position (GRCh38, 1-based): chr15:51,547,408, C>T on the plus strand (G>A on the coding strand, the complement: DMXL2 is on the minus strand). VCF-style: chr15-51547408-C-T. GRCh37 (hg19) VCF-style: chr15-51839605-C-T.
Other names: c.568G>A, p.Asp190Asn (NM_001174116.3, NM_001174117.3, NM_001378458.1 and 7 more transcripts); short protein forms D190N.
Identifiers: ClinVar variation 2005201 (VCV002005201.4), dbSNP rs2548643238, ClinGen allele CA392469626.

ClinVar aggregate classification (germline): Uncertain significance (1 of 4 stars; one submission).

Submission:

Labcorp Genetics (formerly Invitae), Labcorp
Classification: Uncertain significance. Last evaluated: 2022-06-24. Review status: criteria provided, single submitter. Criteria: Invitae Variant Classification Sherloc (09022015). Collection method: clinical testing. Allele origin: germline.
Comment: In summary, the available evidence is currently insufficient to determine the role of this variant in disease. Therefore, it has been classified as a Variant of Uncertain Significance. Algorithms developed to predict the effect of missense changes on protein structure and function (SIFT, PolyPhen-2, Align-GVGD) all suggest that this variant is likely to be tolerated. This variant has not been reported in the literature in individuals affected with DMXL2-related conditions. This variant is not present in population databases (gnomAD no frequency). This sequence change replaces aspartic acid, which is acidic and polar, with asparagine, which is neutral and polar, at codon 190 of the DMXL2 protein (p.Asp190Asn).